The following is an entry in ClinVar:

NM_181712.5(KANK4):c.1719G>A (p.Glu573=)

Gene: KANK4 (KN motif and ankyrin repeat domains 4; minus strand). Cytogenetic location: 1p31.3.
Variant type: single nucleotide variant.
Coding change: c.1719G>A on transcript NM_181712.5 (MANE Select); coding-DNA position 1719, G replaced by A.
Protein change: p.Glu573=; no amino-acid change (glutamic acid 573 retained).
Molecular consequence: synonymous variant. On other transcripts: intron variant (1).
Genome position (GRCh38, 1-based): chr1:62,273,385, C>T on the plus strand (G>A on the coding strand, the complement: KANK4 is on the minus strand). VCF-style: chr1-62273385-C-T. GRCh37 (hg19) VCF-style: chr1-62739057-C-T.
Other names: c.17-1796G>A (NM_001320269.2).
Identifiers: ClinVar variation 4984688 (VCV004984688.1).

ClinVar aggregate classification (germline): Likely benign (1 of 4 stars; one submission).

Conditions:
KANK4-related disorder. Also called: KANK4-related condition.

gnomAD v4.1: 3 of 1,607,128 alleles (0.00019%); highest among the groups gnomAD compares: South Asian, 0.0033%; no homozygotes.

Submission:

PreventionGenetics, part of Exact Sciences
Classification: Likely benign for KANK4-related condition. Last evaluated: 2025-12-01. Review status: criteria provided, single submitter. Criteria: ACMG Guidelines, 2015. Collection method: clinical testing. Allele origin: germline.
Comment: This variant is classified as likely benign based on ACMG/AMP sequence variant interpretation guidelines (Richards et al. 2015 PMID: 25741868, with internal and published modifications).